The following is an entry in ClinVar:

ClinVar aggregate classification (germline): Uncertain significance (1 of 4 stars; one submission).

Conditions:
Wilms tumor 1 (WT1). Also called: Wilms tumor, somatic. Identifiers: Orphanet 654, MedGen CN033288, MONDO:0008679, OMIM 194070.

Submission:

Labcorp Genetics (formerly Invitae), Labcorp
Classification: Uncertain significance for Wilms tumor 1. Last evaluated: 2022-07-20. Review status: criteria provided, single submitter. Criteria: Invitae Variant Classification Sherloc (09022015). Collection method: clinical testing. Allele origin: germline.
Comment: Algorithms developed to predict the effect of missense changes on protein structure and function are either unavailable or do not agree on the potential impact of this missense change (SIFT: "Deleterious"; PolyPhen-2: "Possibly Damaging"; Align-GVGD: "Class C0"). This variant has not been reported in the literature in individuals affected with GPC3-related conditions. This variant is not present in population databases (gnomAD no frequency). This sequence change replaces aspartic acid, which is acidic and polar, with asparagine, which is neutral and polar, at codon 32 of the GPC3 protein (p.Asp32Asn). In summary, the available evidence is currently insufficient to determine the role of this variant in disease. Therefore, it has been classified as a Variant of Uncertain Significance.

NM_004484.4(GPC3):c.94G>A (p.Asp32Asn)

Gene: GPC3 (glypican 3; minus strand). Cytogenetic location: Xq26.2.
Variant type: single nucleotide variant.
Coding change: c.94G>A on transcript NM_004484.4 (MANE Select); coding-DNA position 94, G replaced by A.
Protein change: p.Asp32Asn; replaces aspartic acid 32 with asparagine.
Molecular consequence: missense variant.
Genome position (GRCh38, 1-based): chrX:133,985,356, C>T on the plus strand (G>A on the coding strand, the complement: GPC3 is on the minus strand). VCF-style: chrX-133985356-C-T. GRCh37 (hg19) VCF-style: chrX-133119383-C-T.
Other names: c.94G>A, p.Asp32Asn (NM_001164617.2, NM_001164618.2, NM_001164619.2); short protein forms D32N.
Identifiers: ClinVar variation 2002691 (VCV002002691.4), dbSNP rs2521971393, ClinGen allele CA414707055.